The following is an entry in ClinVar:

NM_016292.3(TRAP1):c.1681GAG[1] (p.Glu562del)

Genes: DNASE1 (deoxyribonuclease 1; plus strand), TRAP1 (TNF receptor associated protein 1; minus strand). Cytogenetic location: 16p13.3.
Variant type: Microsatellite.
Coding change: c.1681GAG[1] on transcript NM_016292.3 (MANE Select); one copy of the 3-base unit GAG starting at c.1681; the reference has two copies in a row; one copy, 3 bases deleted.
Protein change: p.Glu562del; deletes glutamic acid 562.
Molecular consequence: inframe deletion. On other transcripts: 3 prime UTR variant (1).
Genome position (GRCh38, 1-based): chr16:3,663,446-3,663,448, CTC deleted on the plus strand (GAG on the coding strand, the reverse complement: TRAP1 is on the minus strand); deleting any 3 consecutive bases within chr16:3,663,446-3,663,453 gives the same sequence; the position shown is the placement nearest the transcript's 3' end. VCF-style (leftmost placement, unchanged base first): chr16-3663445-TCTC-T. GRCh37 (hg19) VCF-style: chr16-3713446-TCTC-T.
Other names: c.1522GAG[1], p.Glu509del (NM_001272049.2); c.*824CCT[1] (NM_001387140.1); short protein forms E562del, E509del.
Identifiers: ClinVar variation 2080344 (VCV002080344.5), dbSNP rs776393611, ClinGen allele CA7867971.
Genomic context (GRCh38, chr16:3,663,445, plus strand): 5'-GGAAACCAGCCCCACGCCTAGAGAGCAGGGGATGCCGACCTGGGGACCTGTCCTCAAACT[TCTC>T]CTCCTTGTAGTGATCCACGACTATGTCCGTCTCCACAGAGATCAGCTTCTTCTTGTCAAA-3'

ClinVar aggregate classification (germline): Uncertain significance. Review status: criteria provided, single submitter (1 of 4 stars). 2 submissions from 2 submitters: Uncertain significance (1). 1 of the submissions does not count toward it. Last evaluated 2024-04-14.

Conditions:
TRAP1-related disorder. Also called: TRAP1-related condition.

Submissions (2):

Labcorp Genetics (formerly Invitae), Labcorp
Classification: Uncertain significance. Last evaluated: 2024-04-14. Review status: criteria provided, single submitter. Criteria: Invitae Variant Classification Sherloc (09022015). Collection method: clinical testing. Allele origin: germline.
Comment: This variant, c.1684_1686del, results in the deletion of 1 amino acid(s) of the TRAP1 protein (p.Glu562del), but otherwise preserves the integrity of the reading frame. This variant is present in population databases (rs776393611, gnomAD 0.1%), and has an allele count higher than expected for a pathogenic variant. This variant has not been reported in the literature in individuals affected with TRAP1-related conditions. Experimental studies and prediction algorithms are not available or were not evaluated, and the functional significance of this variant is currently unknown. In summary, the available evidence is currently insufficient to determine the role of this variant in disease. Therefore, it has been classified as a Variant of Uncertain Significance.

PreventionGenetics, part of Exact Sciences
Classification: Likely benign for TRAP1-related condition. Last evaluated: 2022-12-27. Review status: no assertion criteria provided. Collection method: clinical testing. Allele origin: germline. Not counted in ClinVar's aggregate classification.
Comment: This variant is classified as likely benign based on ACMG/AMP sequence variant interpretation guidelines (Richards et al. 2015 PMID: 25741868, with internal and published modifications).